The following is an entry in ClinVar:

ClinVar aggregate classification (germline): Uncertain significance (1 of 4 stars; one submission).

Conditions:
Jeune thoracic dystrophy. Also called: Jeune syndrome; Infantile thoracic dystrophy; Thoracic pelvic phalangeal dystrophy; Jeune's syndrome; Chondroectodermal dysplasia-like syndrome; Short-rib thoracic dysplasia. Identifiers: Orphanet 474, MedGen C0265275, MONDO:0018770.

Submission:

Labcorp Genetics (formerly Invitae), Labcorp
Classification: Uncertain significance for Jeune thoracic dystrophy. Last evaluated: 2021-06-20. Review status: criteria provided, single submitter. Criteria: Invitae Variant Classification Sherloc (09022015). Collection method: clinical testing. Allele origin: germline.
Comment: In summary, the available evidence is currently insufficient to determine the role of this variant in disease. Therefore, it has been classified as a Variant of Uncertain Significance. Advanced modeling of protein sequence and biophysical properties (such as structural, functional, and spatial information, amino acid conservation, physicochemical variation, residue mobility, and thermodynamic stability) performed at Invitae indicates that this missense variant is not expected to disrupt DYNC2H1 protein function. This variant has not been reported in the literature in individuals with DYNC2H1-related conditions. This variant is not present in population databases (ExAC no frequency). This sequence change replaces asparagine with isoleucine at codon 1714 of the DYNC2H1 protein (p.Asn1714Ile). The asparagine residue is highly conserved and there is a large physicochemical difference between asparagine and isoleucine.

NM_001377.3(DYNC2H1):c.5141A>T (p.Asn1714Ile)

Gene: DYNC2H1 (dynein cytoplasmic 2 heavy chain 1; plus strand). Cytogenetic location: 11q22.3.
Variant type: single nucleotide variant.
Coding change: c.5141A>T on transcript NM_001377.3 (MANE Select); coding-DNA position 5141, A replaced by T.
Protein change: p.Asn1714Ile; replaces asparagine 1714 with isoleucine.
Molecular consequence: missense variant.
Genome position (GRCh38, 1-based): chr11:103,170,280, A>T. VCF-style: chr11-103170280-A-T. GRCh37 (hg19) VCF-style: chr11-103041009-A-T.
Other names: c.5141A>T, p.Asn1714Ile (NM_001080463.2); short protein forms N1714I.
Identifiers: ClinVar variation 1514626 (VCV001514626.8), dbSNP rs2134964404, ClinGen allele CA382241458.